The following is an entry in ClinVar:

ClinVar aggregate classification (germline): Uncertain significance (1 of 4 stars; one submission).

Allele frequency attached by ClinVar (database versions not stated): gnomAD exomes below 0.00001.
gnomAD v4.1: 1 of 1,612,706 alleles (0.000062%); highest among the groups gnomAD compares: South Asian, 0.0011%; no homozygotes.

Submission:

Labcorp Genetics (formerly Invitae), Labcorp
Classification: Uncertain significance. Last evaluated: 2025-07-07. Review status: criteria provided, single submitter. Criteria: Invitae Variant Classification Sherloc (09022015). Collection method: clinical testing. Allele origin: germline.
Comment: This sequence change replaces serine, which is neutral and polar, with asparagine, which is neutral and polar, at codon 233 of the CD81 protein (p.Ser233Asn). This variant is not present in population databases (gnomAD no frequency). This variant has not been reported in the literature in individuals affected with CD81-related conditions. ClinVar contains an entry for this variant (Variation ID: 2008157). An algorithm developed to predict the effect of missense changes on protein structure and function (PolyPhen-2) suggests that this variant is likely to be tolerated. In summary, the available evidence is currently insufficient to determine the role of this variant in disease. Therefore, it has been classified as a Variant of Uncertain Significance.

NM_004356.4(CD81):c.698G>A (p.Ser233Asn)

Gene: CD81 (CD81 molecule; plus strand). Cytogenetic location: 11p15.5.
Variant type: single nucleotide variant.
Coding change: c.698G>A on transcript NM_004356.4 (MANE Select); coding-DNA position 698, G replaced by A.
Protein change: p.Ser233Asn; replaces serine 233 with asparagine.
Molecular consequence: missense variant.
Genome position (GRCh38, 1-based): chr11:2,396,853, G>A. VCF-style: chr11-2396853-G-A. GRCh37 (hg19) VCF-style: chr11-2418083-G-A.
Other names: c.485G>A, p.Ser162Asn (NM_001297649.2); short protein forms S162N, S233N.
Identifiers: ClinVar variation 2008157 (VCV002008157.4), dbSNP rs2496548438, ClinGen allele CA379125538.